The following is an entry in ClinVar:

ClinVar aggregate classification (germline): Uncertain significance (1 of 4 stars; one submission).

Conditions:
Familial acute necrotizing encephalopathy (IIAE3). Also called: ENCEPHALOPATHY, ACUTE, INFECTION-INDUCED, SUSCEPTIBILITY TO, 3; Susceptibility to Acute Necrotizing Encephalopathy 1. Identifiers: Orphanet 88619, MedGen C2675556, MONDO:0011953, OMIM 608033.

Submission:

Labcorp Genetics (formerly Invitae), Labcorp
Classification: Uncertain significance for Familial acute necrotizing encephalopathy. Last evaluated: 2022-07-31. Review status: criteria provided, single submitter. Criteria: Invitae Variant Classification Sherloc (09022015). Collection method: clinical testing. Allele origin: germline.
Comment: This variant is a gross deletion of the genomic region encompassing exon(s) 12-14 of the RANBP2 gene. This deletion is out-of-frame, and is expected to create a premature translational stop signal and result in an absent or disrupted protein product. However, the current clinical and genetic evidence is not sufficient to establish whether loss-of-function variants in RANBP2 cause disease. This variant has not been reported in the literature in individuals affected with RANBP2-related conditions. In summary, the available evidence is currently insufficient to determine the role of this variant in disease. Therefore, it has been classified as a Variant of Uncertain Significance.

NC_000002.11:g.(?_109368307)_(109370039_?)del

Gene: RANBP2 (RAN binding protein 2; plus strand). Cytogenetic location: 2q12.3.
Variant type: Deletion.
Identifiers: ClinVar variation 2425551 (VCV002425551.2).